The following is an entry in ClinVar:

ClinVar aggregate classification (germline): Likely benign. Review status: criteria provided, multiple submitters, no conflicts (2 of 4 stars). 3 submissions from 3 submitters: Likely benign (3). Last evaluated 2025-10-21.

Allele frequency attached by ClinVar (database versions not stated): gnomAD 0.00004; gnomAD exomes 0.00005 and 0.00008; TOPMed 0.00008; ExAC 0.00015.

Submissions (3):

Labcorp Genetics (formerly Invitae), Labcorp
Classification: Likely benign. Last evaluated: 2025-10-21. Review status: criteria provided, single submitter. Criteria: Invitae Variant Classification Sherloc (09022015). Collection method: clinical testing. Allele origin: germline.

Blueprint Genetics
Classification: Likely benign. Last evaluated: 2023-12-12. Review status: criteria provided, single submitter. Criteria: ACMG Guidelines, 2015. Collection method: clinical testing. Allele origin: germline.

Laboratory for Molecular Medicine, Mass General Brigham Personalized Medicine
Classification: Likely benign. Last evaluated: 2017-08-23. Review status: criteria provided, single submitter. Criteria: LMM Criteria. Collection method: clinical testing. Allele origin: germline. Observed: 1 variant allele.
Comment: c.35-4G>A in intron 3 of LRTOMT: This variant is not expected to have clinical s ignificance because it does not alter an amino acid residue and is not located w ithin the splice consensus sequence. It has been identified in 0.03% (2/7910) of South Asian chromosomes by the Exome Aggregation Consortium (ExAC.; dbSNP rs781682346).

NM_001145308.5(LRTOMT):c.35-4G>A

Gene: LRTOMT (leucine rich transmembrane and O-methyltransferase domain containing; plus strand). Cytogenetic location: 11q13.4.
Variant type: single nucleotide variant.
Coding change: c.35-4G>A on transcript NM_001145308.5; 4 bases into the intron before coding-DNA position 35, G replaced by A.
Molecular consequence: intron variant.
Genome position (GRCh38, 1-based): chr11:72,104,960, G>A. VCF-style: chr11-72104960-G-A. GRCh37 (hg19) VCF-style: chr11-71816006-G-A.
Other names: c.35-4G>A (NM_001145309.4, NM_001145310.4).
Identifiers: ClinVar variation 666709 (VCV000666709.12), dbSNP rs781682346, ClinGen allele CA6168558.
Genomic context (GRCh38, chr11:72,104,960, plus strand): 5'-AGCAGCCTCAGCATGAATAATTGAAAGCCATTCCAGCCTCCTACCTCAGGGTTATCCCCC[G>A]CAGCAGGCCCTGGACTCCCCGACCTGTCCTGTGCTCTGGTCCTCCAGCCCAGGTAAGCAG-3'